The following is an entry in ClinVar:

NM_000038.6(APC):c.7004G>C (p.Gly2335Ala)

Gene: APC (APC regulator of Wnt signaling pathway; plus strand). Cytogenetic location: 5q22.2.
Variant type: single nucleotide variant.
Coding change: c.7004G>C on transcript NM_000038.6 (MANE Select); coding-DNA position 7004, G replaced by C.
Protein change: p.Gly2335Ala; replaces glycine 2335 with alanine.
Molecular consequence: missense variant. On other transcripts: non-coding transcript variant (2).
Genome position (GRCh38, 1-based): chr5:112,842,598, G>C. VCF-style: chr5-112842598-G-C. GRCh37 (hg19) VCF-style: chr5-112178295-G-C.
Other names: c.7004G>C, p.Gly2335Ala (NM_001127510.3, NM_001354895.2, NM_001407450.1); c.6950G>C, p.Gly2317Ala (NM_001127511.3); c.7058G>C, p.Gly2353Ala (NM_001354896.2, NM_001407447.1, NM_001407448.1 and 1 more transcripts); c.7034G>C, p.Gly2345Ala (NM_001354897.2); c.6929G>C, p.Gly2310Ala (NM_001354898.2); c.6920G>C, p.Gly2307Ala (NM_001354899.2); c.6881G>C, p.Gly2294Ala (NM_001354900.2); c.6827G>C, p.Gly2276Ala (NM_001354901.2, NM_001407453.1); and 11 more; short protein forms G2209A, G2234A, G2317A, G1951A, G2175A, G2206A, G2252A, G2276A.
Identifiers: ClinVar variation 3635509 (VCV003635509.2).
Genomic context (GRCh38, chr5:112,842,598, plus strand): 5'-AACCATTAAGTAGACCTATACAGTCTCCTGGCCGAAACTCAATTTCCCCTGGTAGAAATG[G>C]AATAAGTCCTCCTAACAAATTATCTCAACTTCCAAGGACATCATCCCCTAGTACTGCTTC-3'
Protein context (NP_000029.2, residues 2325-2345): GRNSISPGRN[Gly2335Ala]ISPPNKLSQL

ClinVar aggregate classification (germline): Uncertain significance (1 of 4 stars; one submission).

Conditions:
Familial adenomatous polyposis 1 (FAP1). Also called: FAMILIAL ADENOMATOUS POLYPOSIS 1, ATTENUATED; POLYPOSIS, ADENOMATOUS INTESTINAL. Identifiers: MedGen C2713442, MONDO:0021056, OMIM 175100. Disease mechanism: loss of function.

gnomAD v4.1: 1 of 1,613,796 alleles (0.000062%); highest among the groups gnomAD compares: Non-Finnish European, 0.000085%; no homozygotes.

Submission:

Labcorp Genetics (formerly Invitae), Labcorp
Classification: Uncertain significance for Familial adenomatous polyposis 1. Last evaluated: 2024-07-11. Review status: criteria provided, single submitter. Criteria: Invitae Variant Classification Sherloc (09022015). Collection method: clinical testing. Allele origin: germline.
Comment: This sequence change replaces glycine, which is neutral and non-polar, with alanine, which is neutral and non-polar, at codon 2335 of the APC protein (p.Gly2335Ala). This variant is not present in population databases (gnomAD no frequency). This variant has not been reported in the literature in individuals affected with APC-related conditions. Advanced modeling of protein sequence and biophysical properties (such as structural, functional, and spatial information, amino acid conservation, physicochemical variation, residue mobility, and thermodynamic stability) performed at Invitae indicates that this missense variant is not expected to disrupt APC protein function with a negative predictive value of 95%. In summary, the available evidence is currently insufficient to determine the role of this variant in disease. Therefore, it has been classified as a Variant of Uncertain Significance.